The following is an entry in ClinVar:

ClinVar aggregate classification (germline): Benign (0 of 4 stars; one submission).

Conditions:
KLK3-related disorder. Also called: KLK3-related condition.

Allele frequency attached by ClinVar (database versions not stated): 1000 Genomes Project 30x 0.07433; ExAC 0.03035; gnomAD exomes 0.02073; TOPMed 0.07108; 1000 Genomes Project 0.07149; ESP Exome Variant Server 0.07343.
gnomAD v4.1: 40,482 of 1,613,514 alleles (2.5%); highest among the groups gnomAD compares: African/African-American, 19%; 1,685 homozygotes.

Submissions (7):

PreventionGenetics, part of Exact Sciences
Classification: Benign for KLK3-related condition. Last evaluated: 2019-11-06. Review status: no assertion criteria provided. Collection method: clinical testing. Allele origin: germline.
Comment: This variant is classified as benign based on ACMG/AMP sequence variant interpretation guidelines (Richards et al. 2015 PMID: 25741868, with internal and published modifications).

Dr. Peter K. Rogan Lab, Western University
No classification provided (evidence only). Condition: Lung cancer. Review status: no classification provided. Collection method: in vitro. Allele origin: not applicable. Functional consequence: retained intron. Not counted in ClinVar's aggregate classification.

Dr. Peter K. Rogan Lab, Western University
No classification provided (evidence only). Condition: Lung cancer. Review status: no classification provided. Collection method: in vitro. Allele origin: not applicable. Functional consequence: retained intron. Not counted in ClinVar's aggregate classification.

Dr. Peter K. Rogan Lab, Western University
No classification provided (evidence only). Condition: Thyroid cancer, nonmedullary, 1. Review status: no classification provided. Collection method: in vitro. Allele origin: not applicable. Functional consequence: retained intron. Not counted in ClinVar's aggregate classification.

Dr. Peter K. Rogan Lab, Western University
No classification provided (evidence only). Condition: Hepatocellular carcinoma. Review status: no classification provided. Collection method: in vitro. Allele origin: not applicable. Functional consequence: retained intron. Not counted in ClinVar's aggregate classification.

Dr. Peter K. Rogan Lab, Western University
No classification provided (evidence only). Condition: Ovarian serous cystadenocarcinoma. Review status: no classification provided. Collection method: in vitro. Allele origin: not applicable. Functional consequence: retained intron. Not counted in ClinVar's aggregate classification.

Dr. Peter K. Rogan Lab, Western University
No classification provided (evidence only). Condition: Ovarian serous cystadenocarcinoma. Review status: no classification provided. Collection method: in vitro. Allele origin: not applicable. Functional consequence: retained intron. Not counted in ClinVar's aggregate classification.

NM_001648.2(KLK3):c.117G>A (p.Gln39=)

Gene: KLK3 (kallikrein related peptidase 3; plus strand). Cytogenetic location: 19q13.33.
Variant type: single nucleotide variant.
Coding change: c.117G>A on transcript NM_001648.2 (MANE Select); coding-DNA position 117, G replaced by A.
Protein change: p.Gln39=; no amino-acid change (glutamine 39 retained).
Molecular consequence: synonymous variant.
Genome position (GRCh38, 1-based): chr19:50,856,310, G>A. VCF-style: chr19-50856310-G-A. GRCh37 (hg19) VCF-style: chr19-51359566-G-A.
Other names: NC_000019.9:g.51359566G>A; c.117G>A, p.Gln39= (NM_001030047.1, NM_001030048.1).
Identifiers: ClinVar variation 3056767 (VCV003056767.3), dbSNP rs7252245, ClinGen allele CA9604320.
Genomic context (GRCh38, chr19:50,856,310, plus strand): 5'-CCTCATCCTGTCTCGGATTGTGGGAGGCTGGGAGTGCGAGAAGCATTCCCAACCCTGGCA[G>A]GTGCTTGTGGCCTCTCGTGGCAGGGCAGTCTGCGGCGGTGTTCTGGTGCACCCCCAGTGG-3'
Protein context (NP_001639.1, residues 29-49): WECEKHSQPW[Gln39=]VLVASRGRAV